The following is an entry in ClinVar:

NM_004562.2(PRKN):c.8-?_171+?del

Gene: PRKN (parkin RBR E3 ubiquitin protein ligase; minus strand). Cytogenetic location: 6q26.
Variant type: Deletion.
Coding change: c.8-?_171+?del on transcript NM_004562.2.
Other names: EX3DEL.
Identifiers: ClinVar variation 7040 (VCV000007040.6).

ClinVar aggregate classification (germline): Pathogenic. Review status: criteria provided, single submitter (1 of 4 stars). 2 submissions from 2 submitters: Pathogenic (1). 1 of the submissions does not count toward it. Last evaluated 2019-12-04.

Conditions:
Autosomal recessive juvenile Parkinson disease 2. Also called: Parkinson disease autosomal recessive, early onset; Juvenile parkinsonism; Parkinsonism, early onset, with diurnal fluctuation; PARKINSON DISEASE, JUVENILE, AUTOSOMAL RECESSIVE; Parkinson disease, juvenile, type 2; PRKN-Related Early-Onset Parkinson Disease. Identifiers: Orphanet 2828, MedGen C1868675, MONDO:0010820, OMIM 600116.

Submissions (2):

Labcorp Genetics (formerly Invitae), Labcorp
Classification: Pathogenic for Parkinson disease 2. Last evaluated: 2019-12-04. Review status: criteria provided, single submitter. Criteria: Invitae Variant Classification Sherloc (09022015). Collection method: clinical testing. Allele origin: germline.
Comment: This variant is an out-of-frame deletion of the genomic region encompassing exon 2 of the PRKN gene. This is expected to create a premature translational stop signal and result in an absent or disrupted protein product. Similar deletions of exon 2 have been observed to be homozygous or in combination with another PRKN variant in many individuals affected with early-onset Parkinson's disease (PMID: 17914726, 21993715, 23880019). Loss-of-function variants in PRKN are known to be pathogenic (PMID: 10072423, 20301651, 22956510). For these reasons, this variant has been classified as Pathogenic.

OMIM
Classification: Pathogenic for PARKINSON DISEASE 2, AUTOSOMAL RECESSIVE JUVENILE. Last evaluated: 1998-10-24. Review status: no assertion criteria provided. Collection method: literature only. Allele origin: germline. Not counted in ClinVar's aggregate classification.

Literature cited by the submitters: PubMed 23880019 (cited by Labcorp Genetics (formerly Invitae), Labcorp); PubMed 10072423 (cited by Labcorp Genetics (formerly Invitae), Labcorp); PubMed 21993715 (cited by Labcorp Genetics (formerly Invitae), Labcorp); PubMed 20301651 (cited by Labcorp Genetics (formerly Invitae), Labcorp); PubMed 22956510 (cited by Labcorp Genetics (formerly Invitae), Labcorp); PubMed 17914726 (cited by Labcorp Genetics (formerly Invitae), Labcorp); PubMed 9802278 (cited by OMIM); PubMed 9634531 (cited by OMIM).